The following is an entry in ClinVar:

ClinVar aggregate classification (germline): Uncertain significance. Review status: criteria provided, multiple submitters, no conflicts (2 of 4 stars). 2 submissions from 2 submitters: Uncertain significance (2). Last evaluated 2024-08-19.

Conditions:
Hereditary cancer-predisposing syndrome. Also called: Neoplastic Syndromes, Hereditary; Hereditary Cancer Syndrome; Tumor predisposition; Hereditary neoplastic syndrome. Identifiers: Orphanet 140162, MedGen C0027672, MeSH D009386, MONDO:0015356.
DICER1-related tumor predisposition. Also called: DICER1 syndrome; DICER1-related pleuropulmonary blastoma cancer predisposition syndrome. Identifiers: Orphanet 284343, MedGen C3839822, MONDO:0100216.

Allele frequency attached by ClinVar (database versions not stated): gnomAD exomes below 0.00001 and 0.00001; TOPMed 0.00001.
gnomAD v4.1: 21 of 1,613,622 alleles (0.0013%); highest among the groups gnomAD compares: Non-Finnish European, 0.0018%; no homozygotes.

Submissions (2):

Labcorp Genetics (formerly Invitae), Labcorp
Classification: Uncertain significance for DICER1-related tumor predisposition. Last evaluated: 2024-08-19. Review status: criteria provided, single submitter. Criteria: Invitae Variant Classification Sherloc (09022015). Collection method: clinical testing. Allele origin: germline.
Comment: This sequence change replaces glutamine, which is neutral and polar, with arginine, which is basic and polar, at codon 841 of the DICER1 protein (p.Gln841Arg). This variant is present in population databases (no rsID available, gnomAD 0.0009%). This variant has not been reported in the literature in individuals affected with DICER1-related conditions. ClinVar contains an entry for this variant (Variation ID: 582061). Invitae Evidence Modeling of protein sequence and biophysical properties (such as structural, functional, and spatial information, amino acid conservation, physicochemical variation, residue mobility, and thermodynamic stability) indicates that this missense variant is not expected to disrupt DICER1 protein function with a negative predictive value of 80%. In summary, the available evidence is currently insufficient to determine the role of this variant in disease. Therefore, it has been classified as a Variant of Uncertain Significance.

Ambry Genetics
Classification: Uncertain significance for Hereditary cancer-predisposing syndrome. Last evaluated: 2022-12-09. Review status: criteria provided, single submitter. Criteria: Ambry Variant Classification Scheme 2023. Collection method: clinical testing. Allele origin: germline.
Comment: The p.Q841R variant (also known as c.2522A>G), located in coding exon 15 of the DICER1 gene, results from an A to G substitution at nucleotide position 2522. The glutamine at codon 841 is replaced by arginine, an amino acid with highly similar properties. This amino acid position is not well conserved in available vertebrate species. In addition, this alteration is predicted to be tolerated by in silico analysis. Since supporting evidence is limited at this time, the clinical significance of this alteration remains unclear.

NM_177438.3(DICER1):c.2522A>G (p.Gln841Arg)

Gene: DICER1 (dicer 1, ribonuclease III; minus strand). Cytogenetic location: 14q32.13.
Variant type: single nucleotide variant.
Coding change: c.2522A>G on transcript NM_177438.3 (MANE Select); coding-DNA position 2522, A replaced by G.
Protein change: p.Gln841Arg; replaces glutamine 841 with arginine.
Molecular consequence: missense variant.
Genome position (GRCh38, 1-based): chr14:95,108,008, T>C on the plus strand (A>G on the coding strand, the complement: DICER1 is on the minus strand). VCF-style: chr14-95108008-T-C. GRCh37 (hg19) VCF-style: chr14-95574345-T-C.
Other names: c.2522A>G, p.Gln841Arg (NM_001195573.1, NM_001271282.3, NM_001291628.2 and 1 more transcripts); short protein forms Q841R.
Identifiers: ClinVar variation 582061 (VCV000582061.15), dbSNP rs1417502290, ClinGen allele CA390881848.